The following is an entry in ClinVar:

ClinVar aggregate classification (germline): Uncertain significance (1 of 4 stars; one submission).

Conditions:
Autosomal dominant nonsyndromic hearing loss 1. Also called: KONIGSMARK SYNDROME; DEAFNESS, AUTOSOMAL DOMINANT 1, WITH OR WITHOUT THROMBOCYTOPENIA. Identifiers: Orphanet 90635, MedGen C1852282, MONDO:0007424, OMIM 124900.
Progressive microcephaly-seizures-cortical blindness-developmental delay syndrome. Also called: Seizures, cortical blindness, and microcephaly syndrome. Identifiers: Orphanet 477814, MedGen C5567650, MONDO:0014714, OMIM 616632.

Submission:

Labcorp Genetics (formerly Invitae), Labcorp
Classification: Uncertain significance for Progressive microcephaly-seizures-cortical blindness-developmental delay syndrome; Autosomal dominant nonsyndromic hearing loss 1. Last evaluated: 2022-07-03. Review status: criteria provided, single submitter. Criteria: Invitae Variant Classification Sherloc (09022015). Collection method: clinical testing. Allele origin: germline.
Comment: This variant has not been reported in the literature in individuals affected with DIAPH1-related conditions. This variant is not present in population databases (gnomAD no frequency). This sequence change replaces proline, which is neutral and non-polar, with serine, which is neutral and polar, at codon 728 of the DIAPH1 protein (p.Pro728Ser). In summary, the available evidence is currently insufficient to determine the role of this variant in disease. Therefore, it has been classified as a Variant of Uncertain Significance. Algorithms developed to predict the effect of missense changes on protein structure and function are either unavailable or do not agree on the potential impact of this missense change (SIFT: "Tolerated"; PolyPhen-2: "Not Available"; Align-GVGD: "Class C0").

NM_005219.5(DIAPH1):c.2182C>T (p.Pro728Ser)

Gene: DIAPH1 (diaphanous related formin 1; minus strand). Cytogenetic location: 5q31.3.
Variant type: single nucleotide variant.
Coding change: c.2182C>T on transcript NM_005219.5 (MANE Select); coding-DNA position 2182, C replaced by T.
Protein change: p.Pro728Ser; replaces proline 728 with serine.
Molecular consequence: missense variant.
Genome position (GRCh38, 1-based): chr5:141,573,668, G>A on the plus strand (C>T on the coding strand, the complement: DIAPH1 is on the minus strand). VCF-style: chr5-141573668-G-A. GRCh37 (hg19) VCF-style: chr5-140953235-G-A.
Other names: c.2155C>T, p.Pro719Ser (NM_001079812.3); c.2182C>T, p.Pro728Ser (NM_001314007.2); short protein forms P719S, P728S.
Identifiers: ClinVar variation 2013693 (VCV002013693.4), dbSNP rs2513739057, ClinGen allele CA361517483.